The following is an entry in ClinVar:

ClinVar aggregate classification (germline): Pathogenic/Likely pathogenic. Review status: criteria provided, multiple submitters, no conflicts (2 of 4 stars). 3 submissions from 3 submitters: Pathogenic (2); Likely pathogenic (1). Last evaluated 2026-04-23.

Conditions:
X-linked lissencephaly with abnormal genitalia. Identifiers: Orphanet 452, MedGen C1846171, MONDO:0010268, OMIM 300215.
Corpus callosum, agenesis of. Also called: Corpus callosum agenesis; Mental retardation hypoplastic corpus callosum preauricular tag; Da silva syndrome; Agenesis of the corpus callosum; Isolated corpus callosum agenesis. Identifiers: Orphanet 200, MedGen C0175754, MONDO:0009022, OMIM 217990, HP:0001274.
Periventricular heterotopia. Identifiers: MedGen C5399973, HP:0007165.
Arachnoid cyst. Identifiers: MedGen C0078981, MONDO:0008813, HP:0100702.

Submissions (3):

Victorian Clinical Genetics Services, Murdoch Childrens Research Institute
Classification: Pathogenic for X-linked lissencephaly with abnormal genitalia. Last evaluated: 2026-04-23. Review status: criteria provided, single submitter. Criteria: ACMG Guidelines, 2015. Collection method: clinical testing. Allele origin: germline. Affected: yes.
Comment: This variant is classified as Pathogenic. Evidence in support of pathogenic classification: Variant is absent from gnomAD (v2, v3 and v4); This variant has limited previous evidence of pathogenicity in unrelated individual(s). This variant has been classified as likely pathogenic/pathogenic by clinical laboratories in ClinVar. Other missense variant(s) comparable to the one identified in this case have strong previous evidence for pathogenicity. p.(Arg332Gly), p.(Arg332His), and p.(Arg332Leu) have been classified as likely pathogenic/pathogenic by clinical laboratories in ClinVar; Missense variant in a region that is highly intolerant to missense variation (high constraint region in DECIPHER); Missense variant predicted to be damaging by in silico tool(s) or highly conserved with a major amino acid change. Additional information: Variant is predicted to result in a missense amino acid change from Arg to Cys; This variant is hemizygous; This gene is associated with X-linked disease. Females with NMD-predicted variants have been reported as both healthy carriers, or symptomatic, even within the same family. Phenotypic presentation has not been found to be linked to skewed X-inactivation (PMID: 14722918, 28150386, 32519823); Loss of function is a known mechanism of disease in this gene and is associated with ARX-related disease (OMIM). Variants predicted to result in nonsense-mediated decay (NMD) have been reported in patients with hydranencephaly with abnormal genitalia, X-linked lissencephaly 2 (MIM#300215) and Proud syndrome (MIM#300004). Expansions of the poly-alanine tract have been reported in patients with early infantile epileptic encephalopathy 1 (MIM#308350), Partington syndrome (MIM#309510) and X-linked intellectual disability 29 (MIM#300419). Missense variants have variable phenotypic presentation, have been reported in patients with all aforementioned phenotypes (OMIM, PMID: 21496008, 14722918, 19738637); Variants in this gene are known to have variable expressivity, with intrafamilial and interfamilial pleiotropy (OMIM, PMID: 14722918).

CeGaT Center for Human Genetics Tuebingen
Classification: Pathogenic. Last evaluated: 2024-06-01. Review status: criteria provided, single submitter. Criteria: CeGaT Center For Human Genetics Tuebingen Variant Classification Criteria Version 2. Collection method: clinical testing. Allele origin: germline. Affected: yes. Observed: 1 variant allele.
Comment: ARX: PM1, PM2, PM5, PS2:Moderate, PP2, PP3

Genetics Institute, Tel Aviv Sourasky Medical Center
Classification: Likely pathogenic for Corpus callosum, agenesis of; Periventricular heterotopia; Arachnoid cyst. Last evaluated: 2021-05-12. Review status: criteria provided, single submitter. Criteria: ACMG Guidelines, 2015. Collection method: clinical testing. Allele origin: inherited. Inheritance: X-linked inheritance.

Literature cited by the submitters: PubMed 19738637 (cited by Victorian Clinical Genetics Services, Murdoch Childrens Research Institute); PubMed 14722918 (cited by Victorian Clinical Genetics Services, Murdoch Childrens Research Institute); PubMed 30108342 (cited by Victorian Clinical Genetics Services, Murdoch Childrens Research Institute); PubMed 28150386 (cited by Victorian Clinical Genetics Services, Murdoch Childrens Research Institute); PubMed 12874405 (cited by Victorian Clinical Genetics Services, Murdoch Childrens Research Institute); PubMed 32519823 (cited by Victorian Clinical Genetics Services, Murdoch Childrens Research Institute); PubMed 21496008 (cited by Victorian Clinical Genetics Services, Murdoch Childrens Research Institute).

NM_139058.3(ARX):c.994C>T (p.Arg332Cys)

Gene: ARX (aristaless related homeobox; minus strand). Cytogenetic location: Xp21.3.
Variant type: single nucleotide variant.
Coding change: c.994C>T on transcript NM_139058.3 (MANE Select); coding-DNA position 994, C replaced by T.
Protein change: p.Arg332Cys; replaces arginine 332 with cysteine.
Molecular consequence: missense variant.
Genome position (GRCh38, 1-based): chrX:25,013,001, G>A on the plus strand (C>T on the coding strand, the complement: ARX is on the minus strand). VCF-style: chrX-25013001-G-A. GRCh37 (hg19) VCF-style: chrX-25031118-G-A.
Other names: short protein forms R332C.
Identifiers: ClinVar variation 1077119 (VCV001077119.20), dbSNP rs2147323593, ClinGen allele CA412611993.
Genomic context (GRCh38, chrX:25,013,001, plus strand): 5'-AGTGCGTCTTCTGGAAGGCCCGCTCCAGTTCCTCCAGCTGGTAGCTGGTGAACGTGGTGC[G>A]GTAGCGCCTCTGTTTGCGTTTCAGCAGCCCCTCCTCCGAGTCGCTGCCCGCAGAGAGGCA-3'
Protein context (NP_620689.1, residues 322-342): GLLKRKQRRY[Arg332Cys]TTFTSYQLEE